The following is an entry in ClinVar:

ClinVar aggregate classification (germline): Likely benign (0 of 4 stars; one submission).

Conditions:
ARMC5-related disorder. Also called: ARMC5-related condition.

Allele frequency attached by ClinVar (database versions not stated): ExAC 0.00001; gnomAD exomes 0.00002; gnomAD 0.00003; TOPMed 0.00003.
gnomAD v4.1: 27 of 1,611,972 alleles (0.0017%); highest among the groups gnomAD compares: African/African-American, 0.0027%; no homozygotes.

Submission:

PreventionGenetics, part of Exact Sciences
Classification: Likely benign for ARMC5-related condition. Last evaluated: 2022-02-08. Review status: no assertion criteria provided. Collection method: clinical testing. Allele origin: germline.
Comment: This variant is classified as likely benign based on ACMG/AMP sequence variant interpretation guidelines (Richards et al. 2015 PMID: 25741868, with internal and published modifications).

NM_001105247.2(ARMC5):c.645C>T (p.Ser215=)

Gene: ARMC5 (armadillo repeat containing 5; plus strand). Cytogenetic location: 16p11.2.
Variant type: single nucleotide variant.
Coding change: c.645C>T on transcript NM_001105247.2 (MANE Select); coding-DNA position 645, C replaced by T.
Protein change: p.Ser215=; no amino-acid change (serine 215 retained).
Molecular consequence: synonymous variant.
Genome position (GRCh38, 1-based): chr16:31,462,192, C>T. VCF-style: chr16-31462192-C-T. GRCh37 (hg19) VCF-style: chr16-31473513-C-T.
Other names: c.930C>T, p.Ser310= (NM_001288767.2); c.741C>T, p.Ser247= (NM_001301820.1); c.645C>T, p.Ser215= (NM_024742.2).
Identifiers: ClinVar variation 3054353 (VCV003054353.2), dbSNP rs750013429, ClinGen allele CA8029531.
Genomic context (GRCh38, chr16:31,462,192, plus strand): 5'-TGCTGTTCCCCTGCTTGTGGAGAGCCTGACAGCCTGCCAGGACTCGCAGTGCCTACAGAG[C>T]GTGGTGCGTGCCCTCCGTAACCTGGCAGACTCACCCCAGCACCGCCTGGCCTTGGCACAG-3'
Protein context (NP_001098717.1, residues 205-225): TACQDSQCLQ[Ser215=]VVRALRNLAD